The following is an entry in ClinVar:

NM_016648.4(LARP7):c.822GAAAAA[1] (p.Lys277_Lys278del)

Genes: LARP7 (La ribonucleoprotein 7, transcriptional regulator; plus strand), MIR302CHG (miR-302/367 cluster host gene; minus strand). Cytogenetic location: 4q25.
Variant type: Microsatellite.
Coding change: c.822GAAAAA[1] on transcript NM_016648.4 (MANE Select); one copy of the 6-base unit GAAAAA starting at c.822; the reference has two copies in a row; one copy, 6 bases deleted.
Protein change: p.Lys277_Lys278del.
Molecular consequence: inframe deletion.
Genome position (GRCh38, 1-based): chr4:112,647,380-112,647,385, GAAAAA deleted; deleting any 6 consecutive bases within chr4:112,647,371-112,647,385 gives the same sequence; the position shown is the placement nearest the transcript's 3' end. VCF-style (leftmost placement, unchanged base first): chr4-112647370-CAAAGAA-C. GRCh37 (hg19) VCF-style: chr4-113568526-CAAAGAA-C.
Other names: c.822GAAAAA[1], p.Lys277_Lys278del (NM_001267039.4, NM_001370974.1, NM_001370975.1 and 2 more transcripts); c.819GAAAAA[1], p.Lys276_Lys277del (NM_001370976.1, NM_001370977.1, NM_001370979.1 and 1 more transcripts); c.585GAAAAA[1], p.Lys198_Lys199del (NM_001370981.1, NM_001370982.1).
Identifiers: ClinVar variation 1397066 (VCV001397066.7), dbSNP rs756166445, ClinGen allele CA3049272.

ClinVar aggregate classification (germline): Uncertain significance (1 of 4 stars; one submission).

Submission:

Labcorp Genetics (formerly Invitae), Labcorp
Classification: Uncertain significance. Last evaluated: 2022-07-12. Review status: criteria provided, single submitter. Criteria: Invitae Variant Classification Sherloc (09022015). Collection method: clinical testing. Allele origin: germline.
Comment: In summary, the available evidence is currently insufficient to determine the role of this variant in disease. Therefore, it has been classified as a Variant of Uncertain Significance. Experimental studies and prediction algorithms are not available or were not evaluated, and the functional significance of this variant is currently unknown. This variant has not been reported in the literature in individuals affected with LARP7-related conditions. This variant is present in population databases (rs756166445, gnomAD 0.003%). This variant, c.828_833del, results in the deletion of 2 amino acid(s) of the LARP7 protein (p.Lys277_Lys278del), but otherwise preserves the integrity of the reading frame.